The following is an entry in ClinVar:

NM_001382391.1(CSPP1):c.3109+4dup

Genes: ARFGEF1 (ARF guanine nucleotide exchange factor 1; minus strand), CSPP1 (centrosome and spindle pole associated protein 1; plus strand). Cytogenetic location: 8q13.2.
Variant type: Duplication.
Coding change: c.3109+4dup on transcript NM_001382391.1 (MANE Select); 4 bases into the intron after coding-DNA position 3109, one base duplicated (A; older notation c.3109+4dupA).
Molecular consequence: intron variant. On other transcripts: 3 prime UTR variant (2).
Genome position (GRCh38, 1-based): chr8:67,175,440, A duplicated; the last of 2 consecutive A bases (chr8:67,175,439-67,175,440); duplicating either gives the same sequence. VCF-style (leftmost placement, unchanged base first): chr8-67175438-T-TA. GRCh37 (hg19) VCF-style: chr8-68087673-T-TA.
Other names: c.2995+4dup (NM_001364870.1); c.2410+4dup (NM_001438332.1); c.2059+4dup (NM_001291339.2); c.*116dup (NM_001413186.1, NM_001413187.1); c.2914+4dup (NM_001363132.2); c.3028+4dup (NM_001363131.2); c.2833+4dup (NM_001363133.2); c.3175+4dup (NM_001364869.1); and 2 more.
Identifiers: ClinVar variation 1463089 (VCV001463089.5), dbSNP rs2129568589, ClinGen allele CA2573143230.

ClinVar aggregate classification (germline): Uncertain significance (1 of 4 stars; one submission).

Conditions:
Joubert syndrome 21 (JBTS21). Identifiers: MedGen C3810212, MONDO:0014288, OMIM 615636.

Submission:

Labcorp Genetics (formerly Invitae), Labcorp
Classification: Uncertain significance for Joubert syndrome 21. Last evaluated: 2022-07-06. Review status: criteria provided, single submitter. Criteria: Invitae Variant Classification Sherloc (09022015). Collection method: clinical testing. Allele origin: germline.
Comment: In summary, the available evidence is currently insufficient to determine the role of this variant in disease. Therefore, it has been classified as a Variant of Uncertain Significance. Variants that disrupt the consensus splice site are a relatively common cause of aberrant splicing (PMID: 17576681, 9536098). Algorithms developed to predict the effect of sequence changes on RNA splicing suggest that this variant is not likely to affect RNA splicing. This sequence change falls in intron 24 of the CSPP1 gene. It does not directly change the encoded amino acid sequence of the CSPP1 protein. It affects a nucleotide within the consensus splice site. This variant is not present in population databases (gnomAD no frequency). This variant has not been reported in the literature in individuals affected with CSPP1-related conditions. ClinVar contains an entry for this variant (Variation ID: 1463089).

Literature cited by the submitters: PubMed 17576681; PubMed 9536098.